The following is an entry in ClinVar:

ClinVar aggregate classification (germline): Uncertain significance (1 of 4 stars; one submission).

Allele frequency attached by ClinVar (database versions not stated): gnomAD 0.00001.
gnomAD v4.1: 1 of 1,614,160 alleles (0.000062%); highest among the groups gnomAD compares: East Asian, 0.0022%; no homozygotes.

Submission:

Ambry Genetics
Classification: Uncertain significance. Last evaluated: 2022-07-07. Review status: criteria provided, single submitter. Criteria: Ambry Variant Classification Scheme 2023. Collection method: clinical testing. Allele origin: germline.
Comment: The p.Y43S variant (also known as c.128A>C), located in coding exon 2 of the NQO1 gene, results from an A to C substitution at nucleotide position 128. The tyrosine at codon 43 is replaced by serine, an amino acid with dissimilar properties. This amino acid position is conserved. In addition, the in silico prediction for this alteration is inconclusive. Since supporting evidence is limited at this time, the clinical significance of this alteration remains unclear.

NM_000903.3(NQO1):c.128A>C (p.Tyr43Ser)

Gene: NQO1 (NAD(P)H quinone dehydrogenase 1; minus strand). Cytogenetic location: 16q22.1.
Variant type: single nucleotide variant.
Coding change: c.128A>C on transcript NM_000903.3 (MANE Select); coding-DNA position 128, A replaced by C.
Protein change: p.Tyr43Ser; replaces tyrosine 43 with serine.
Molecular consequence: missense variant.
Genome position (GRCh38, 1-based): chr16:69,718,414, T>G on the plus strand (A>C on the coding strand, the complement: NQO1 is on the minus strand). VCF-style: chr16-69718414-T-G. GRCh37 (hg19) VCF-style: chr16-69752317-T-G.
Other names: c.128A>C, p.Tyr43Ser (NM_001025433.2, NM_001025434.2, NM_001286137.2); short protein forms Y43S.
Identifiers: ClinVar variation 1769049 (VCV001769049.2), dbSNP rs1003587141, ClinGen allele CA283361369.